The following is an entry in ClinVar:

NM_001042492.3(NF1):c.3676del (p.Ala1226fs)

Gene: NF1 (neurofibromin 1; plus strand). Cytogenetic location: 17q11.2.
Variant type: Deletion.
Coding change: c.3676del on transcript NM_001042492.3 (MANE Select); coding-DNA position 3676, one base deleted (G; older notation c.3676delG).
Protein change: p.Ala1226fs; shifts the reading frame from alanine 1226.
Molecular consequence: frameshift variant.
Genome position (GRCh38, 1-based): chr17:31,233,181, G deleted; the last of 2 consecutive G bases (chr17:31,233,180-31,233,181); deleting either gives the same sequence. VCF-style (leftmost placement, unchanged base first): chr17-31233179-TG-T. GRCh37 (hg19) VCF-style: chr17-29560197-TG-T.
Other names: c.3676delG, p.Ala1226Leufs (NM_000267.4); short protein forms A1226fs.
Identifiers: ClinVar variation 2444038 (VCV002444038.1), dbSNP rs2508240768, ClinGen allele CA2580093092.
Genomic context (GRCh38, chr17:31,233,179, plus strand): 5'-TTGAGAGATTGGTGGAACTGGTCACAATGATGGGTGATCAAGGAGAACTCCCTATAGCGA[TG>T]GCTCTGGCCAATGTGGTTCCTTGTTCTCAGTGGGTAAGTGATTAGAGTAAGCGGGGAAGA-3'

ClinVar aggregate classification (germline): Likely pathogenic (1 of 4 stars; one submission).

Conditions:
Neurofibromatosis, type 1 (NF1). Also called: Peripheral type neurofibromatosis; Neurofibromatosis, type I; VON RECKLINGHAUSEN DISEASE; NEUROFIBROMATOSIS, TYPE I, SOMATIC. Identifiers: Orphanet 636, MedGen C0027831, MONDO:0018975, OMIM 162200. Disease mechanism: loss of function.

Submission:

3billion
Classification: Likely pathogenic for Neurofibromatosis, type 1. Last evaluated: 2023-02-23. Review status: criteria provided, single submitter. Criteria: ACMG Guidelines, 2015. Collection method: clinical testing. Allele origin: unknown. Affected: yes.
Comment: The variant is not observed in the gnomAD v2.1.1 dataset. This variant was predicted to result in a loss or disruption of normal protein function through nonsense-mediated decay (NMD) or protein truncation. Multiple pathogenic variants are reported downstream of the variant. Therefore, this variant is classified as Likely pathogenic according to the recommendation of ACMG/AMP guideline.